The following is an entry in ClinVar:

NM_207341.4(ZP1):c.1499C>A (p.Ser500Ter)

Gene: ZP1 (zona pellucida glycoprotein 1; plus strand). Cytogenetic location: 11q12.2.
Variant type: single nucleotide variant.
Coding change: c.1499C>A on transcript NM_207341.4 (MANE Select); coding-DNA position 1499, C replaced by A.
Protein change: p.Ser500Ter; replaces serine 500 with a stop codon.
Molecular consequence: nonsense.
Genome position (GRCh38, 1-based): chr11:60,873,702, C>A. VCF-style: chr11-60873702-C-A. GRCh37 (hg19) VCF-style: chr11-60641175-C-A.
Other names: c.620C>A, p.Ser207Ter (NM_001391943.1); c.305C>A, p.Ser102Ter (NM_001391944.1); short protein forms S500*, S102*, S207*.
Identifiers: ClinVar variation 5007885 (VCV005007885.2).

ClinVar aggregate classification (germline): Likely pathogenic (1 of 4 stars; one submission).

Conditions:
Female infertility due to zona pellucida defect (OZEMA1). Also called: OOCYTE/ZYGOTE/EMBRYO MATURATION ARREST 1; Oocyte maturation defect 1. Identifiers: Orphanet 404466, MedGen C4014291, MONDO:0014342, OMIM 615774.

gnomAD v4.1: 1 of 1,614,178 alleles (0.000062%); highest among the groups gnomAD compares: South Asian, 0.0011%; no homozygotes.

Submission:

Juno Genomics, Hangzhou Juno Genomics, Inc
Classification: Likely pathogenic for Female infertility due to zona pellucida defect. Review status: criteria provided, single submitter. Criteria: ACMG Guidelines, 2015. Collection method: clinical testing. Allele origin: germline.
Comment: Null variant in a gene where loss of function (LOF) is a known mechanism of disease.;Absent from controls (or at extremely low frequency if recessive) in Genome Aggregation Database.